The following is an entry in ClinVar:

ClinVar aggregate classification (germline): Uncertain significance (1 of 4 stars; one submission).

Conditions:
Hereditary cancer-predisposing syndrome. Also called: Neoplastic Syndromes, Hereditary; Tumor predisposition; Hereditary Cancer Syndrome; Hereditary neoplastic syndrome. Identifiers: Orphanet 140162, MedGen C0027672, MeSH D009386, MONDO:0015356.

Submission:

Ambry Genetics
Classification: Uncertain significance for Hereditary cancer-predisposing syndrome. Last evaluated: 2026-02-23. Review status: criteria provided, single submitter. Criteria: Ambry Variant Classification Scheme 2023. Collection method: clinical testing. Allele origin: germline.
Comment: The p.D616A variant (also known as c.1847A>C), located in coding exon 5 of the PALB2 gene, results from an A to C substitution at nucleotide position 1847. The aspartic acid at codon 616 is replaced by alanine, an amino acid with dissimilar properties. This amino acid position is conserved. In addition, this alteration is predicted to be tolerated by in silico analysis. Based on the available evidence, the clinical significance of this variant remains unclear.

NM_024675.4(PALB2):c.1847A>C (p.Asp616Ala)

Gene: PALB2 (partner and localizer of BRCA2; minus strand). Cytogenetic location: 16p12.2.
Variant type: single nucleotide variant.
Coding change: c.1847A>C on transcript NM_024675.4 (MANE Select); coding-DNA position 1847, A replaced by C.
Protein change: p.Asp616Ala; replaces aspartic acid 616 with alanine.
Molecular consequence: missense variant. On other transcripts: intron variant (1).
Genome position (GRCh38, 1-based): chr16:23,630,307, T>G on the plus strand (A>C on the coding strand, the complement: PALB2 is on the minus strand). VCF-style: chr16-23630307-T-G. GRCh37 (hg19) VCF-style: chr16-23641628-T-G.
Other names: c.962A>C, p.Asp321Ala (NM_001407309.1, NM_001407310.1, NM_001407311.1 and 5 more transcripts); c.59A>C, p.Asp20Ala (NM_001407312.1, NM_001407313.1); c.49-1032A>C (NM_001407314.1); c.1787A>C, p.Asp596Ala (NM_001407296.1); c.1847A>C, p.Asp616Ala (NM_001407297.1, NM_001407298.1, NM_001407299.1 and 3 more transcripts); short protein forms D616A, D321A, D596A, D20A.
Identifiers: ClinVar variation 4827478 (VCV004827478.1).